The following is an entry in ClinVar:

ClinVar aggregate classification (germline): Uncertain significance (1 of 4 stars; one submission).

Conditions:
NRP1-related disorder. Also called: NRP1-related condition.

Submission:

PreventionGenetics, part of Exact Sciences
Classification: Uncertain significance for NRP1-related condition. Last evaluated: 2025-12-30. Review status: criteria provided, single submitter. Criteria: ACMG Guidelines, 2015. Collection method: clinical testing. Allele origin: germline.
Comment: The NRP1 c.719C>T variant is predicted to result in the amino acid substitution p.Ser240Leu. To our knowledge, this variant has not been reported in the literature. This variant is reported in 0.0058% of alleles in individuals of Latino descent in gnomAD. At this time, the clinical significance of this variant is uncertain due to the absence of conclusive functional and genetic evidence.

NM_003873.7(NRP1):c.719C>T (p.Ser240Leu)

Gene: NRP1 (neuropilin 1; minus strand). Cytogenetic location: 10p11.22.
Variant type: single nucleotide variant.
Coding change: c.719C>T on transcript NM_003873.7 (MANE Select); coding-DNA position 719, C replaced by T.
Protein change: p.Ser240Leu; replaces serine 240 with leucine.
Molecular consequence: missense variant. On other transcripts: non-coding transcript variant (1).
Genome position (GRCh38, 1-based): chr10:33,256,411, G>A on the plus strand (C>T on the coding strand, the complement: NRP1 is on the minus strand). VCF-style: chr10-33256411-G-A. GRCh37 (hg19) VCF-style: chr10-33545339-G-A.
Other names: c.719C>T, p.Ser240Leu (NM_001024628.3, NM_001024629.3, NM_001244972.2 and 2 more transcripts); short protein forms S240L.
Identifiers: ClinVar variation 4979610 (VCV004979610.1).